The following is an entry in ClinVar:

NM_000059.4(BRCA2):c.7976+12G>A

Gene: BRCA2 (BRCA2 DNA repair associated; plus strand). Cytogenetic location: 13q13.1.
Variant type: single nucleotide variant.
Coding change: c.7976+12G>A on transcript NM_000059.4 (MANE Select); 12 bases into the intron after coding-DNA position 7976, G replaced by A.
Molecular consequence: intron variant.
Genome position (GRCh38, 1-based): chr13:32,362,705, G>A. VCF-style: chr13-32362705-G-A. GRCh37 (hg19) VCF-style: chr13-32936842-G-A.
Other names: IVS17+12G/A.
Identifiers: ClinVar variation 52451 (VCV000052451.47), dbSNP rs81002827, ClinGen allele CA025363.

ClinVar aggregate classification (germline): Conflicting classifications of pathogenicity. Review status: criteria provided, conflicting classifications (1 of 4 stars). 15 submissions from 14 submitters: Uncertain significance (2); Benign (4); Likely benign (6). 3 of the submissions do not count toward it. Last evaluated 2026-02-03.

Conditions:
Breast and/or ovarian cancer. Identifiers: MedGen CN221562.
Hereditary cancer-predisposing syndrome. Also called: Tumor predisposition; Neoplastic Syndromes, Hereditary; Hereditary neoplastic syndrome; Hereditary Cancer Syndrome. Identifiers: Orphanet 140162, MedGen C0027672, MeSH D009386, MONDO:0015356.
Hereditary breast ovarian cancer syndrome. Also called: Hereditary breast and ovarian cancer; BRCA1- and BRCA2-Associated Hereditary Breast and Ovarian Cancer; Hereditary breast and/or ovarian cancer syndrome; Hereditary breast and ovarian cancer syndrome; Breast and ovarian cancer; Hereditary breast and ovarian cancer syndrome (HBOC). Identifiers: Orphanet 145, MedGen C0677776, MeSH D061325, MONDO:0003582. Disease mechanism: loss of function.
Fanconi anemia complementation group D1. Also called: BRCA2-Related Fanconi Anemia. Identifiers: Orphanet 319462, MedGen C1838457, MONDO:0011584, OMIM 605724.
Breast-ovarian cancer, familial, susceptibility to, 2 (BROVCA2). Also called: BRCA2 Hereditary Breast and Ovarian Cancer. Identifiers: Orphanet 145, MedGen C2675520, MONDO:0012933, OMIM 612555. Disease mechanism: loss of function.
Malignant tumor of breast. Also called: Malignant breast neoplasm; Cancer breast. Identifiers: MedGen C0006142, MONDO:0007254. Disease mechanism: loss of function.

Allele frequency attached by ClinVar (database versions not stated): gnomAD exomes 0.00003 and 0.00008; ExAC 0.00008; ESP Exome Variant Server 0.00023; gnomAD 0.00042 and 0.00045; TOPMed 0.00046.
gnomAD v4.1: 112 of 1,613,870 alleles (0.0069%); highest among the groups gnomAD compares: African/African-American, 0.12%; no homozygotes.

Submissions (15):

Labcorp Genetics (formerly Invitae), Labcorp
Classification: Benign for Hereditary breast ovarian cancer syndrome. Last evaluated: 2026-02-03. Review status: criteria provided, single submitter. Criteria: Invitae Variant Classification Sherloc (09022015). Collection method: clinical testing. Allele origin: germline.

CHEO Genetics Diagnostic Laboratory, Children's Hospital of Eastern Ontario
Classification: Likely benign for Breast and/or ovarian cancer. Last evaluated: 2022-08-08. Review status: criteria provided, single submitter. Criteria: ACMG Guidelines, 2015. Collection method: clinical testing. Allele origin: germline.

National Health Laboratory Service, Universitas Academic Hospital and University of the Free State
Classification: Likely benign for Hereditary breast ovarian cancer syndrome. Last evaluated: 2022-04-19. Review status: criteria provided, single submitter. Criteria: ACMG Guidelines, 2015. Collection method: clinical testing. Allele origin: germline. Affected: yes. Observed: 12 variant alleles.

Blueprint Genetics
Classification: Likely benign. Last evaluated: 2020-02-26. Review status: criteria provided, single submitter. Criteria: ACMG Guidelines, 2015. Collection method: clinical testing. Allele origin: germline.

Mendelics
Classification: Likely benign for Breast-ovarian cancer, familial, susceptibility to, 2. Last evaluated: 2019-05-28. Review status: criteria provided, single submitter. Criteria: Mendelics Assertion Criteria 2017. Collection method: clinical testing. Allele origin: unknown.

Women's Health and Genetics/Laboratory Corporation of America, LabCorp
Classification: Benign. Last evaluated: 2019-04-27. Review status: criteria provided, single submitter. Criteria: LabCorp Variant Classification Summary - May 2015. Collection method: clinical testing. Allele origin: germline.
Comment: Variant summary: BRCA2 c.7976+12G>A alters a non-conserved nucleotide located close to a canonical splice site and therefore could affect mRNA splicing, leading to a significantly altered protein sequence. 4/4 computational tools predict no significant impact on normal splicing. However, these predictions have yet to be confirmed by functional studies. The variant allele was found at a frequency of 8.8e-05 in 251116 control chromosomes, predominantly at a frequency of 0.00092 within the African or African-American subpopulation in the gnomAD database. The observed variant frequency within African or African-American control individuals in the gnomAD database is approximately 1.2 fold of the estimated maximal expected allele frequency for a pathogenic variant in BRCA2 causing Hereditary Breast and Ovarian Cancer phenotype (0.00075), strongly suggesting that the variant is a benign polymorphism found primarily in populations of African or African-American origin. c.7976+12G>A has been reported in the literature in control individuals of African American ancestry (Wagner_1999). These report(s) do not provide unequivocal conclusions about association of the variant with Hereditary Breast and Ovarian Cancer. To our knowledge, no experimental evidence demonstrating an impact on protein function has been reported. Five clinical diagnostic laboratories have submitted clinical-significance assessments for this variant to ClinVar after 2014 without evidence for independent evaluation. Multiple laboratories reported the variant with conflicting assessments ranging from benign (n=2), likely benign (n=1) and VUS (n=2). Based on the evidence outlined above, the variant was classified as benign.

Illumina Laboratory Services, Illumina
Classification: Uncertain significance for Fanconi anemia complementation group D1. Last evaluated: 2018-01-13. Review status: criteria provided, single submitter. Criteria: ICSL Variant Classification Criteria 13 December 2019. Collection method: clinical testing. Allele origin: germline.

Illumina Laboratory Services, Illumina
Classification: Uncertain significance for Breast-ovarian cancer, familial, susceptibility to, 2. Last evaluated: 2018-01-13. Review status: criteria provided, single submitter. Criteria: ICSL Variant Classification Criteria 13 December 2019. Collection method: clinical testing. Allele origin: germline.

ARUP Laboratories, Molecular Genetics and Genomics, ARUP Laboratories
Classification: Benign. Last evaluated: 2016-11-17. Review status: criteria provided, single submitter. Criteria: ARUP Molecular Germline Variant Investigation Process. Collection method: clinical testing. Allele origin: germline.

Color Diagnostics, LLC DBA Color Health
Classification: Likely benign for Hereditary cancer-predisposing syndrome. Last evaluated: 2015-09-22. Review status: criteria provided, single submitter. Criteria: ACMG Guidelines, 2015. Collection method: clinical testing. Allele origin: germline.

Ambry Genetics
Classification: Likely benign for Hereditary cancer-predisposing syndrome. Last evaluated: 2014-10-29. Review status: criteria provided, single submitter. Criteria: Ambry Variant Classification Scheme 2023. Collection method: clinical testing. Allele origin: germline.

GeneDx
Classification: Benign. Last evaluated: 2014-03-14. Review status: criteria provided, single submitter. Criteria: GeneDx Variant Classification (06012015). Collection method: clinical testing. Allele origin: germline. Affected: yes.
Comment: This variant is considered likely benign or benign based on one or more of the following criteria: it is a conservative change, it occurs at a poorly conserved position in the protein, it is predicted to be benign by multiple in silico algorithms, and/or has population frequency not consistent with disease.

Counsyl
Classification: Uncertain significance for Breast-ovarian cancer, familial, susceptibility to, 2. Last evaluated: 2015-12-04. Review status: no assertion criteria provided. Collection method: clinical testing. Allele origin: unknown. Not counted in ClinVar's aggregate classification.

Breast Cancer Information Core (BIC) (BRCA2)
Classification: Uncertain significance for Breast-ovarian cancer, familial 2. Last evaluated: 1998-11-30. Review status: no assertion criteria provided. Collection method: clinical testing. Allele origin: germline. Affected: yes. Observed: 1 variant allele. Not counted in ClinVar's aggregate classification.

Department of Pathology and Laboratory Medicine, Sinai Health System
Classification: Likely benign for Malignant tumor of breast. Review status: no assertion criteria provided. Collection method: clinical testing. Allele origin: unknown. Affected: yes. Observed: 1 variant allele. Study: The Canadian Open Genetics Repository (COGR). Not counted in ClinVar's aggregate classification.
Comment: The c.7976+12G>A variant has been previously identified in the literature (Wagner 1999). It is listed in dbSNP database coming from a â€šÃ„Ãºclinical sourceâ€šÃ„Ã¹ (ID#: rs81002827) however no frequency information were provided. This variant is located in the 5' splice region but does not affect the positions +3 to +6 that are part of the splicing consensus sequence that sometimes affect splicing. In summary, the clinical significance of this variant cannot be determined with certainty at this time, although we would lean towards a more benign role for this variant. This variant is classified as Predicted Benign.

Literature cited by the submitters: DOI 10.3389/fgene.2022.834265 (cited by National Health Laboratory Service, Universitas Academic Hospital and University of the Free State); PubMed 9971877 (cited by Women's Health and Genetics/Laboratory Corporation of America, LabCorp and Counsyl).